The following is an entry in ClinVar:

NM_002473.6(MYH9):c.2230-5C>T

Gene: MYH9 (myosin heavy chain 9; minus strand). Cytogenetic location: 22q12.3.
Variant type: single nucleotide variant.
Coding change: c.2230-5C>T on transcript NM_002473.6 (MANE Select); 5 bases into the intron before coding-DNA position 2230, C replaced by T.
Molecular consequence: intron variant.
Genome position (GRCh38, 1-based): chr22:36,304,160, G>A on the plus strand (C>T on the coding strand, the complement: MYH9 is on the minus strand). VCF-style: chr22-36304160-G-A. GRCh37 (hg19) VCF-style: chr22-36700206-G-A.
Identifiers: ClinVar variation 2578922 (VCV002578922.27), dbSNP rs1413521064, ClinGen allele CA2580617868.

ClinVar aggregate classification (germline): Conflicting classifications of pathogenicity. Review status: criteria provided, conflicting classifications (1 of 4 stars). 2 submissions from 2 submitters: Uncertain significance (1); Likely benign (1). Last evaluated 2024-04-09.

Submissions (2):

Labcorp Genetics (formerly Invitae), Labcorp
Classification: Likely benign. Last evaluated: 2024-04-09. Review status: criteria provided, single submitter. Criteria: Invitae Variant Classification Sherloc (09022015). Collection method: clinical testing. Allele origin: germline.

CeGaT Center for Human Genetics Tuebingen
Classification: Uncertain significance. Last evaluated: 2023-07-01. Review status: criteria provided, single submitter. Criteria: CeGaT Center For Human Genetics Tuebingen Variant Classification Criteria Version 2. Collection method: clinical testing. Allele origin: germline. Affected: yes. Observed: 1 variant allele.
Comment: MYH9: PM2, BP4